The following is an entry in ClinVar:

ClinVar aggregate classification (germline): Likely pathogenic (1 of 4 stars; one submission).

Conditions:
Autosomal recessive nonsyndromic hearing loss 21. Identifiers: Orphanet 90636, MedGen C1863655, MONDO:0011351, OMIM 603629.

Submission:

Genetics Research Center, University of Social Welfare and Rehabilitation Sciences
Classification: Likely pathogenic for Autosomal recessive nonsyndromic hearing loss 21. Last evaluated: 2025-12-09. Review status: criteria provided, single submitter. Criteria: ACMG Guidelines, 2015. Collection method: research. Allele origin: germline. Affected: yes.
Comment: The variant is not present in the gnomAD v2.1.1 dataset and has been previously reported in individual(s) affected with TECTA-related hearing loss (PMID:17431902, 24586623). It is a stop-gain mutation expected to disrupt normal protein function either through nonsense-mediated decay (NMD) or by producing a truncated protein.

Literature cited by the submitters: PubMed 17431902; PubMed 24586623.

NM_005422.4(TECTA):c.5211C>A (p.Tyr1737Ter)

Genes: TBCEL-TECTA (TBCEL-TECTA readthrough; plus strand), TECTA (tectorin alpha; plus strand). Cytogenetic location: 11q23.3.
Variant type: single nucleotide variant.
Coding change: c.5211C>A on transcript NM_005422.4 (MANE Select); coding-DNA position 5211, C replaced by A.
Protein change: p.Tyr1737Ter; replaces tyrosine 1737 with a stop codon.
Molecular consequence: nonsense.
Genome position (GRCh38, 1-based): chr11:121,162,309, C>A. VCF-style: chr11-121162309-C-A. GRCh37 (hg19) VCF-style: chr11-121033018-C-A.
Other names: c.6153C>A, p.Tyr2051Ter (NM_001378761.1); short protein forms Y1737*, Y2051*.
Identifiers: ClinVar variation 4796691 (VCV004796691.1).